The following is an entry in ClinVar:

NM_004481.5(GALNT2):c.526G>C (p.Asp176His)

Gene: GALNT2 (polypeptide N-acetylgalactosaminyltransferase 2; plus strand). Cytogenetic location: 1q42.13.
Variant type: single nucleotide variant.
Coding change: c.526G>C on transcript NM_004481.5 (MANE Select); coding-DNA position 526, G replaced by C.
Protein change: p.Asp176His; replaces aspartic acid 176 with histidine.
Molecular consequence: missense variant.
Genome position (GRCh38, 1-based): chr1:230,236,405, G>C. VCF-style: chr1-230236405-G-C. GRCh37 (hg19) VCF-style: chr1-230372151-G-C.
Other names: c.412G>C, p.Asp138His (NM_001291866.2); short protein forms D138H, D176H.
Identifiers: ClinVar variation 1339903 (VCV001339903.4), dbSNP rs2102736154, ClinGen allele CA345181621.

ClinVar aggregate classification (germline): Uncertain significance (1 of 4 stars; one submission).

Conditions:
Congenital disorder of glycosylation, type iit. Also called: CDG IIt. Identifiers: MedGen C5394387, MONDO:0030043, OMIM 618885.

Submission:

GeneDx
Classification: Uncertain significance. Last evaluated: 2022-10-26. Review status: criteria provided, single submitter. Criteria: GeneDx Variant Classification Process June 2021. Collection method: clinical testing. Allele origin: germline. Affected: yes.
Comment: Not observed in large population cohorts (gnomAD); In silico analysis supports that this missense variant has a deleterious effect on protein structure/function; Has not been previously published as pathogenic or benign to our knowledge